The following is an entry in ClinVar:

ClinVar aggregate classification (germline): Uncertain significance (1 of 4 stars; one submission).

Allele frequency attached by ClinVar (database versions not stated): ExAC 0.00002; TOPMed 0.00001; gnomAD exomes 0.00002.
gnomAD v4.1: 25 of 1,614,146 alleles (0.0015%); highest among the groups gnomAD compares: Non-Finnish European, 0.0021%; no homozygotes.

Submission:

Labcorp Genetics (formerly Invitae), Labcorp
Classification: Uncertain significance. Last evaluated: 2025-02-25. Review status: criteria provided, single submitter. Criteria: Invitae Variant Classification Sherloc (09022015). Collection method: clinical testing. Allele origin: germline.
Comment: This sequence change replaces proline, which is neutral and non-polar, with leucine, which is neutral and non-polar, at codon 300 of the FN1 protein (p.Pro300Leu). This variant is present in population databases (rs748851001, gnomAD 0.002%). This variant has not been reported in the literature in individuals affected with FN1-related conditions. ClinVar contains an entry for this variant (Variation ID: 2919074). An algorithm developed to predict the effect of missense changes on protein structure and function outputs the following: PolyPhen-2: "Benign". The leucine amino acid residue is found in multiple mammalian species, which suggests that this missense change does not adversely affect protein function. In summary, the available evidence is currently insufficient to determine the role of this variant in disease. Therefore, it has been classified as a Variant of Uncertain Significance.

NM_212482.4(FN1):c.899C>T (p.Pro300Leu)

Gene: FN1 (fibronectin 1; minus strand). Cytogenetic location: 2q35.
Variant type: single nucleotide variant.
Coding change: c.899C>T on transcript NM_212482.4 (MANE Select); coding-DNA position 899, C replaced by T.
Protein change: p.Pro300Leu; replaces proline 300 with leucine.
Molecular consequence: missense variant.
Genome position (GRCh38, 1-based): chr2:215,425,231, G>A on the plus strand (C>T on the coding strand, the complement: FN1 is on the minus strand). VCF-style: chr2-215425231-G-A. GRCh37 (hg19) VCF-style: chr2-216289954-G-A.
Other names: c.899C>T, p.Pro300Leu (NM_001306132.2, NM_001365517.2, NM_001365518.2 and 14 more transcripts); short protein forms P300L.
Identifiers: ClinVar variation 2919074 (VCV002919074.3), dbSNP rs748851001, ClinGen allele CA2095428.
Genomic context (GRCh38, chr2:215,425,231, plus strand): 5'-ATCCCCACAGAGTAGACCACACCACTGTCTGTGACACAGTGGCCATAGGGAGGAGGCTGG[G>A]GGTGAGGCTGCGGTTGGTAAACAGCTGCACGAACATCGGTGAAGGGGCCAGATCCTAATG-3'
Protein context (NP_997647.2, residues 290-310): RAAVYQPQPH[Pro300Leu]QPPPYGHCVT